The following is an entry in ClinVar:

ClinVar aggregate classification (germline): Uncertain significance. Review status: criteria provided, multiple submitters, no conflicts (2 of 4 stars). 5 submissions from 5 submitters: Uncertain significance (5). Last evaluated 2022-07-09.

Conditions:
Charcot-Marie-Tooth disease type 4K. Also called: CHARCOT-MARIE-TOOTH DISEASE, DEMYELINATING, TYPE 4K; CHARCOT-MARIE-TOOTH DISEASE, DEMYELINATING, AUTOSOMAL RECESSIVE, TYPE 4K; CHARCOT-MARIE-TOOTH NEUROPATHY, DEMYELINATING, AUTOSOMAL RECESSIVE, TYPE 4K. Identifiers: Orphanet 391351, MedGen C4225246, MONDO:0014733, OMIM 616684.
Mitochondrial complex IV deficiency, nuclear type 1 (MC4DN1). Also called: Complex 4 mitochondrial respiratory chain deficiency; Deficiency of mitochondrial respiratory chain complex4; Complex IV deficiency; COX DEFICIENCY; Mitochondrial complex IV deficiency. Identifiers: MedGen C5435656, MONDO:0700250, OMIM 220110. Disease mechanism: loss of function.
Leigh syndrome (NULS). Also called: Subacute necrotizing encephalopathy; Necrotizing encephalopathy infantile subacute of Leigh; Leigh's syndrome; Leigh Disease; LEIGH SYNDROME, NUCLEAR; Leigh's necrotizing encephalopathy. Identifiers: Orphanet 506, MedGen C2931891, MONDO:0009723, OMIM 256000.

Allele frequency attached by ClinVar (database versions not stated): gnomAD 0.00002 and 0.00003; gnomAD exomes 0.00004 and 0.00006; ExAC 0.00005; TOPMed 0.00006; ESP Exome Variant Server 0.00008.
gnomAD v4.1: 67 of 1,613,860 alleles (0.0042%); highest among the groups gnomAD compares: South Asian, 0.011%; 1 homozygote.

Submissions (5):

Labcorp Genetics (formerly Invitae), Labcorp
Classification: Uncertain significance for Leigh syndrome. Last evaluated: 2022-07-09. Review status: criteria provided, single submitter. Criteria: Invitae Variant Classification Sherloc (09022015). Collection method: clinical testing. Allele origin: germline.
Comment: This sequence change replaces arginine, which is basic and polar, with tryptophan, which is neutral and slightly polar, at codon 137 of the SURF1 protein (p.Arg137Trp). This variant is present in population databases (rs373551988, gnomAD 0.07%). This variant has not been reported in the literature in individuals affected with SURF1-related conditions. ClinVar contains an entry for this variant (Variation ID: 215233). Algorithms developed to predict the effect of missense changes on protein structure and function are either unavailable or do not agree on the potential impact of this missense change (SIFT: "Deleterious"; PolyPhen-2: "Probably Damaging"; Align-GVGD: "Class C0"). Experimental studies have shown that this missense change affects SURF1 function (PMID: 29933018). In summary, the available evidence is currently insufficient to determine the role of this variant in disease. Therefore, it has been classified as a Variant of Uncertain Significance.

Fulgent Genetics
Classification: Uncertain significance for Mitochondrial complex IV deficiency, nuclear type 1; Charcot-Marie-Tooth disease type 4K. Last evaluated: 2022-05-31. Review status: criteria provided, single submitter. Criteria: ACMG Guidelines, 2015. Collection method: clinical testing. Allele origin: unknown.

Mayo Clinic Laboratories, Mayo Clinic
Classification: Uncertain significance. Last evaluated: 2022-04-15. Review status: criteria provided, single submitter. Criteria: ACMG Guidelines, 2015. Collection method: clinical testing. Allele origin: germline. Observed: 1 variant allele.
Comment: PP3, PM2, PS3_supporting

GeneDx
Classification: Uncertain significance. Last evaluated: 2021-06-23. Review status: criteria provided, single submitter. Criteria: GeneDx Variant Classification Process June 2021. Collection method: clinical testing. Allele origin: germline. Affected: yes.
Comment: Functional studies demonstrate R137W decreases complex IV assembly but without affecting SURF1 stability (Li et al., 2018); In silico analysis supports that this missense variant has a deleterious effect on protein structure/function; This variant is associated with the following publications: (PMID: 29933018, 27535533)

Illumina Laboratory Services, Illumina
Classification: Uncertain significance for Leigh syndrome. Last evaluated: 2017-04-27. Review status: criteria provided, single submitter. Criteria: ICSL Variant Classification Criteria 13 December 2019. Collection method: clinical testing. Allele origin: germline.

Literature cited by the submitters: PubMed 29933018 (cited by Labcorp Genetics (formerly Invitae), Labcorp and Mayo Clinic Laboratories, Mayo Clinic).

NM_003172.4(SURF1):c.409C>T (p.Arg137Trp)

Gene: SURF1 (SURF1 cytochrome c oxidase assembly factor; minus strand). Cytogenetic location: 9q34.2.
Variant type: single nucleotide variant.
Coding change: c.409C>T on transcript NM_003172.4 (MANE Select); coding-DNA position 409, C replaced by T.
Protein change: p.Arg137Trp; replaces arginine 137 with tryptophan.
Molecular consequence: missense variant.
Genome position (GRCh38, 1-based): chr9:133,353,855, G>A on the plus strand (C>T on the coding strand, the complement: SURF1 is on the minus strand). VCF-style: chr9-133353855-G-A. GRCh37 (hg19) VCF-style: chr9-136220710-G-A.
Other names: p.Arg137Trp; c.82C>T, p.Arg28Trp (NM_001280787.1); short protein forms R137W, R28W.
Identifiers: ClinVar variation 215233 (VCV000215233.10), dbSNP rs373551988, ClinGen allele CA324957.